The following is an entry in ClinVar:

NM_004656.4(BAP1):c.1328A>G (p.Asn443Ser)

Gene: BAP1 (BRCA1 associated deubiquitinase 1; minus strand). Cytogenetic location: 3p21.1.
Variant type: single nucleotide variant.
Coding change: c.1328A>G on transcript NM_004656.4 (MANE Select); coding-DNA position 1328, A replaced by G.
Protein change: p.Asn443Ser; replaces asparagine 443 with serine.
Molecular consequence: missense variant.
Genome position (GRCh38, 1-based): chr3:52,403,817, T>C on the plus strand (A>G on the coding strand, the complement: BAP1 is on the minus strand). VCF-style: chr3-52403817-T-C. GRCh37 (hg19) VCF-style: chr3-52437833-T-C.
Other names: c.1274A>G, p.Asn425Ser (NM_001410772.1); short protein forms N443S, N425S.
Identifiers: ClinVar variation 1967539 (VCV001967539.6), dbSNP rs756153541, ClinGen allele CA2436826.
Genomic context (GRCh38, chr3:52,403,817, plus strand): 5'-AGAGGAATTGAGAGGTCCTTCTGGGACTCTTTGAGCTTCTCAGCCAAGACGTTGATGGTG[T>C]TGGGCTGCAGCACTGACAGTTGCCCATCAGCAGAACCGCTCAATGCCCCTGGCTTCCCTG-3'
Protein context (NP_004647.1, residues 433-453): ADGQLSVLQP[Asn443Ser]TINVLAEKLK

ClinVar aggregate classification (germline): Conflicting classifications of pathogenicity. Review status: criteria provided, conflicting classifications (1 of 4 stars). 2 submissions from 2 submitters: Uncertain significance (1); Likely benign (1). Last evaluated 2024-01-11.

Conditions:
Hereditary cancer-predisposing syndrome. Also called: Tumor predisposition; Hereditary Cancer Syndrome; Hereditary neoplastic syndrome; Neoplastic Syndromes, Hereditary. Identifiers: Orphanet 140162, MedGen C0027672, MeSH D009386, MONDO:0015356.
BAP1-related tumor predisposition syndrome (TPDS1). Also called: TUMOR PREDISPOSITION SYNDROME 1; Tumor susceptibility linked to germline BAP1 mutations; COMMON Syndrome; BAP1 tumor predisposition syndrome. Identifiers: Orphanet 289539, MedGen C3280492, MONDO:0013692, OMIM 614327.

gnomAD v4.1: 3 of 1,614,146 alleles (0.00019%); highest among the groups gnomAD compares: Non-Finnish European, 0.00025%; no homozygotes.

Submissions (2):

Ambry Genetics
Classification: Likely benign for Hereditary cancer-predisposing syndrome. Last evaluated: 2024-01-11. Review status: criteria provided, single submitter. Criteria: Ambry Variant Classification Scheme 2023. Collection method: clinical testing. Allele origin: germline.

Labcorp Genetics (formerly Invitae), Labcorp
Classification: Uncertain significance for BAP1-related tumor predisposition syndrome. Last evaluated: 2024-01-02. Review status: criteria provided, single submitter. Criteria: Invitae Variant Classification Sherloc (09022015). Collection method: clinical testing. Allele origin: germline.
Comment: This sequence change replaces asparagine, which is neutral and polar, with serine, which is neutral and polar, at codon 443 of the BAP1 protein (p.Asn443Ser). This variant is present in population databases (rs756153541, gnomAD 0.0009%). This variant has not been reported in the literature in individuals affected with BAP1-related conditions. ClinVar contains an entry for this variant (Variation ID: 1967539). Advanced modeling of protein sequence and biophysical properties (such as structural, functional, and spatial information, amino acid conservation, physicochemical variation, residue mobility, and thermodynamic stability) performed at Invitae indicates that this missense variant is not expected to disrupt BAP1 protein function with a negative predictive value of 80%. In summary, the available evidence is currently insufficient to determine the role of this variant in disease. Therefore, it has been classified as a Variant of Uncertain Significance.